The following is an entry in ClinVar:

NM_001845.6(COL4A1):c.4937C>T (p.Thr1646Met)

Gene: COL4A1 (collagen type IV alpha 1 chain; minus strand). Cytogenetic location: 13q34.
Variant type: single nucleotide variant.
Coding change: c.4937C>T on transcript NM_001845.6 (MANE Select); coding-DNA position 4937, C replaced by T.
Protein change: p.Thr1646Met; replaces threonine 1646 with methionine.
Molecular consequence: missense variant.
Genome position (GRCh38, 1-based): chr13:110,150,436, G>A on the plus strand (C>T on the coding strand, the complement: COL4A1 is on the minus strand). VCF-style: chr13-110150436-G-A. GRCh37 (hg19) VCF-style: chr13-110802783-G-A.
Other names: c.4937C>T (NM_001845.5); short protein forms T1646M.
Identifiers: ClinVar variation 2188382 (VCV002188382.5), dbSNP rs780067663, ClinGen allele CA7046751.

ClinVar aggregate classification (germline): Uncertain significance. Review status: criteria provided, multiple submitters, no conflicts (2 of 4 stars). 2 submissions from 2 submitters: Uncertain significance (2). Last evaluated 2023-08-17.

Conditions:
COL4A1-related disorder. Also called: COL4A1-related disorders; COL4A1-related condition. Identifiers: MedGen CN376119, MONDO:0800461.

Allele frequency attached by ClinVar (database versions not stated): gnomAD exomes below 0.00001; ExAC 0.00001; TOPMed 0.00001.
gnomAD v4.1: 5 of 1,613,954 alleles (0.00031%); highest among the groups gnomAD compares: Admixed American, 0.0017%; no homozygotes.

Submissions (2):

Labcorp Genetics (formerly Invitae), Labcorp
Classification: Uncertain significance. Last evaluated: 2023-08-17. Review status: criteria provided, single submitter. Criteria: Invitae Variant Classification Sherloc (09022015). Collection method: clinical testing. Allele origin: germline.
Comment: ClinVar contains an entry for this variant (Variation ID: 2188382). In summary, the available evidence is currently insufficient to determine the role of this variant in disease. Therefore, it has been classified as a Variant of Uncertain Significance. Experimental studies and prediction algorithms are not available or were not evaluated, and the functional significance of this variant is currently unknown. This variant has not been reported in the literature in individuals affected with COL4A1-related conditions. This variant is present in population databases (rs780067663, gnomAD 0.003%). This sequence change replaces threonine, which is neutral and polar, with methionine, which is neutral and non-polar, at codon 1646 of the COL4A1 protein (p.Thr1646Met).

PreventionGenetics, part of Exact Sciences
Classification: Uncertain significance for COL4A1-related condition. Last evaluated: 2022-11-11. Review status: criteria provided, single submitter. Criteria: ACMG Guidelines, 2015. Collection method: clinical testing. Allele origin: germline.
Comment: The COL4A1 c.4937C>T variant is predicted to result in the amino acid substitution p.Thr1646Met. To our knowledge, this variant has not been reported in the literature. This variant is reported in 0.0033% of alleles in individuals of South Asian descent in gnomAD. At this time, the clinical significance of this variant is uncertain due to the absence of conclusive functional and genetic evidence.